The following is an entry in ClinVar:

NM_006513.4(SARS1):c.638G>T (p.Arg213Leu)

Gene: SARS1 (seryl-tRNA synthetase 1; plus strand). Cytogenetic location: 1p13.3.
Variant type: single nucleotide variant.
Coding change: c.638G>T on transcript NM_006513.4 (MANE Select); coding-DNA position 638, G replaced by T.
Protein change: p.Arg213Leu; replaces arginine 213 with leucine.
Molecular consequence: missense variant.
Genome position (GRCh38, 1-based): chr1:109,231,677, G>T. VCF-style: chr1-109231677-G-T. GRCh37 (hg19) VCF-style: chr1-109774299-G-T.
Other names: c.638G>T, p.Arg213Leu (NM_001330669.1); short protein forms R213L.
Identifiers: ClinVar variation 1209576 (VCV001209576.2), dbSNP rs539161490, ClinGen allele CA341506120.

ClinVar aggregate classification (germline): no classifications from unflagged records. Review status: no classifications from unflagged records (0 of 4 stars). 2 submissions from 2 submitters. 1 of the submissions does not count toward it. Last evaluated 2024-03-29.

Conditions:
Neurodevelopmental disorder with microcephaly, ataxia, and seizures. Identifiers: MedGen C4540188, MONDO:0060577, OMIM 617709.

Submissions (2):

OMIM
Classification: Pathogenic for NEURODEVELOPMENTAL DISORDER WITH MICROCEPHALY, ATAXIA, AND SEIZURES. Last evaluated: 2022-07-01. Review status: flagged submission. Collection method: literature only. Allele origin: germline. Not counted in ClinVar's aggregate classification.
ClinVar note: Notes: Flagging candidate with reason of insufficient supporting evidence. This gene has been classified as having a limited gene-disease relationship by a ClinGen Expert Panel.
ClinVar note: Reason: Other

Equipe Genetique des Anomalies du Developpement, Université de Bourgogne
Classification: Likely pathogenic for Neurodevelopmental disorder with microcephaly, ataxia, and seizures. Review status: flagged submission. Criteria: ACMG Guidelines, 2015. Collection method: clinical testing. Allele origin: biparental. Affected: yes. Observed: 1 variant allele, 1 homozygote.
ClinVar note: Notes: Flagging candidate with reason of insufficient supporting evidence. This gene has been classified as having a limited gene-disease relationship by a ClinGen Expert Panel.
ClinVar note: Reason: Other

Literature cited by the submitters: PubMed 34570399 (cited by OMIM).